The following is an entry in ClinVar:

NM_001267550.2(TTN):c.13102_13105del (p.Lys4368fs)

Gene: TTN (titin; minus strand). Cytogenetic location: 2q31.2.
Variant type: Microsatellite.
Coding change: c.13102_13105del on transcript NM_001267550.2 (MANE Select); coding-DNA positions 13102 to 13105, 4 bases deleted (AAAG; older notation c.13102_13105delAAAG).
Protein change: p.Lys4368fs; shifts the reading frame from lysine 4368.
Molecular consequence: frameshift variant. On other transcripts: intron variant (1).
Genome position (GRCh38, 1-based): chr2:178,740,128-178,740,131, CTTT deleted on the plus strand (AAAG on the coding strand, the reverse complement: TTN is on the minus strand); deleting any 4 consecutive bases within chr2:178,740,128-178,740,135 gives the same sequence; the c. name uses the placement nearest the transcript's 3' end. VCF-style (leftmost placement, unchanged base first): chr2-178740127-ACTTT-A. GRCh37 (hg19) VCF-style: chr2-179604854-ACTTT-A.
Other names: c.13102_13105delAAAG (NM_001267550.2); c.12013_12016delAAAG (NM_003319.4); c.12151_12154del, p.Lys4051fs (NM_001256850.1); c.12013_12016del, p.Lys4005fs (NM_003319.4); c.12388_12391del, p.Lys4130fs (NM_133432.3); c.12589_12592del, p.Lys4197fs (NM_133437.4); c.10361-1771_10361-1768del (NM_133378.4); short protein forms K4005fs, K4197fs, K4130fs, K4368fs, K4051fs.
Identifiers: ClinVar variation 534996 (VCV000534996.10), dbSNP rs1553937967, ClinGen allele CA658796092.

ClinVar aggregate classification (germline): Likely pathogenic. Review status: criteria provided, multiple submitters, no conflicts (2 of 4 stars). 2 submissions from 2 submitters: Likely pathogenic (2). Last evaluated 2024-10-18.

Conditions:
Autosomal recessive limb-girdle muscular dystrophy type 2J (LGMDR10). Also called: Limb-girdle muscular dystrophy, type 2J; MUSCULAR DYSTROPHY, LIMB-GIRDLE, AUTOSOMAL RECESSIVE 10. Identifiers: Orphanet 140922, MedGen C1837342, MONDO:0012127, OMIM 608807.
Dilated cardiomyopathy 1G (CMD1G). Identifiers: Orphanet 154, MedGen C1858763, MONDO:0011400, OMIM 604145.
Cardiovascular phenotype. Identifiers: MedGen CN230736.

Submissions (2):

Labcorp Genetics (formerly Invitae), Labcorp
Classification: Likely pathogenic for Dilated cardiomyopathy 1G; Autosomal recessive limb-girdle muscular dystrophy type 2J. Last evaluated: 2024-10-18. Review status: criteria provided, single submitter. Criteria: Invitae Variant Classification Sherloc (09022015). Collection method: clinical testing. Allele origin: germline.
Comment: This sequence change creates a premature translational stop signal (p.Lys4368Cysfs*25) in the TTN gene. While this is not anticipated to result in nonsense mediated decay, it is expected to create a truncated TTN protein. This variant is not present in population databases (gnomAD no frequency). This variant has not been reported in the literature in individuals affected with TTN-related conditions. ClinVar contains an entry for this variant (Variation ID: 534996). This variant is located in the I band of TTN (PMID: 25589632). Truncating variants in this region have been reported in individuals affected with autosomal recessive centronuclear myopathy (PMID: 23975875, internal data). Truncating variants in this region have also been identified in individuals affected with autosomal dominant dilated cardiomyopathy and/or cardio-related conditions (PMID: 27869827, 32964742, internal data). In summary, the currently available evidence indicates that the variant is pathogenic, but additional data are needed to prove that conclusively. Therefore, this variant has been classified as Likely Pathogenic.

Ambry Genetics
Classification: Likely pathogenic for Cardiovascular phenotype. Last evaluated: 2024-10-03. Review status: criteria provided, single submitter. Criteria: Ambry Variant Classification Scheme 2023. Collection method: clinical testing. Allele origin: germline.
Comment: The c.12013_12016delAAAG (p.K4005Cfs*25) alteration, located in exon 45 (coding exon 44) of the TTN gene, consists of a deletion of 4 nucleotides from position 12013 to 12016, causing a translational frameshift with a predicted alternate stop codon after 25 amino acids. This alteration is expected to result in loss of function by premature protein truncation or nonsense-mediated mRNA decay. While truncating variants in TTN are present in 1-3% of the general population, truncating variants in the A-band are the most common cause of dilated cardiomyopathy (DCM) (Herman, 2012; Roberts, 2015). TTN truncating variants encoded in constitutive exons (PSI >90%) have been found to be significantly associated with DCM regardless of their position in titin (Schafer, 2017). This variant was not reported in population-based cohorts in the Genome Aggregation Database (gnomAD). This exon is located in the I-band region of the N2-B isoform of the titin protein and is constitutively expressed in TTN transcripts (percent spliced in or PSI 100%). Based on the available evidence, this alteration is classified as likely pathogenic.

Literature cited by the submitters: PubMed 25589632 (cited by Labcorp Genetics (formerly Invitae), Labcorp and Ambry Genetics); PubMed 23975875 (cited by Labcorp Genetics (formerly Invitae), Labcorp); PubMed 27869827 (cited by Labcorp Genetics (formerly Invitae), Labcorp and Ambry Genetics); PubMed 32964742 (cited by Labcorp Genetics (formerly Invitae), Labcorp); PubMed 22335739 (cited by Ambry Genetics).